The following is an entry in ClinVar:

ClinVar aggregate classification (germline): Likely pathogenic (1 of 4 stars; one submission).

Conditions:
Glycogen storage disease, type IV (GSD4). Also called: AMYLOPECTINOSIS; ANDERSEN DISEASE; BRANCHER DEFICIENCY; CIRRHOSIS, FAMILIAL, WITH DEPOSITION OF ABNORMAL GLYCOGEN; GBE1 DEFICIENCY; GLYCOGEN BRANCHING ENZYME DEFICIENCY. Identifiers: Orphanet 367, MedGen C0017923, MONDO:0009292, OMIM 232500.
Glycogen storage disease IV, classic hepatic. Also called: GSD IV, CLASSIC HEPATIC. Identifiers: MedGen C1856301.

Allele frequency attached by ClinVar (database versions not stated): gnomAD exomes below 0.00001.
gnomAD v4.1: 4 of 1,598,694 alleles (0.00025%); highest among the groups gnomAD compares: Non-Finnish European, 0.00034%; no homozygotes.

Submission:

Labcorp Genetics (formerly Invitae), Labcorp
Classification: Likely pathogenic for Glycogen storage disease, type IV; Glycogen storage disease IV, classic hepatic. Last evaluated: 2023-08-21. Review status: criteria provided, single submitter. Criteria: Invitae Variant Classification Sherloc (09022015). Collection method: clinical testing. Allele origin: germline.
Comment: In summary, the currently available evidence indicates that the variant is pathogenic, but additional data are needed to prove that conclusively. Therefore, this variant has been classified as Likely Pathogenic. An algorithm developed to predict the effect of missense changes on protein structure and function (PolyPhen-2) suggests that this variant is likely to be disruptive. ClinVar contains an entry for this variant (Variation ID: 567213). This missense change has been observed in individual(s) with clinical features of glycogen storage disease (PMID: 34906519; Invitae). In at least one individual the data is consistent with being in trans (on the opposite chromosome) from a pathogenic variant. This variant is not present in population databases (gnomAD no frequency). This sequence change replaces serine, which is neutral and polar, with arginine, which is basic and polar, at codon 261 of the GBE1 protein (p.Ser261Arg).

Literature cited by the submitters: PubMed 34906519.

NM_000158.4(GBE1):c.783C>G (p.Ser261Arg)

Gene: GBE1 (1,4-alpha-glucan branching enzyme 1; minus strand). Cytogenetic location: 3p12.2.
Variant type: single nucleotide variant.
Coding change: c.783C>G on transcript NM_000158.4 (MANE Select); coding-DNA position 783, C replaced by G.
Protein change: p.Ser261Arg; replaces serine 261 with arginine.
Molecular consequence: missense variant.
Genome position (GRCh38, 1-based): chr3:81,642,990, G>C on the plus strand (C>G on the coding strand, the complement: GBE1 is on the minus strand). VCF-style: chr3-81642990-G-C. GRCh37 (hg19) VCF-style: chr3-81692141-G-C.
Other names: short protein forms S261R.
Identifiers: ClinVar variation 567213 (VCV000567213.5), dbSNP rs1559673607, ClinGen allele CA353687585.